The following is an entry in ClinVar:

NM_153717.3(EVC):c.1900del (p.Val634fs)

Gene: EVC (EvC ciliary complex subunit 1; plus strand). Cytogenetic location: 4p16.2.
Variant type: Deletion.
Coding change: c.1900del on transcript NM_153717.3 (MANE Select); coding-DNA position 1900, one base deleted (G; older notation c.1900delG).
Protein change: p.Val634fs; shifts the reading frame from valine 634.
Molecular consequence: frameshift variant.
Genome position (GRCh38, 1-based): chr4:5,797,035, G deleted. VCF-style (leftmost placement, unchanged base first): chr4-5797034-TG-T. GRCh37 (hg19) VCF-style: chr4-5798761-TG-T.
Other names: c.1900del, p.Val634fs (NM_001306090.2); short protein forms V634fs.
Identifiers: ClinVar variation 2025563 (VCV002025563.4), dbSNP rs760043559, ClinGen allele CA91718301.

ClinVar aggregate classification (germline): Pathogenic (1 of 4 stars; one submission).

Conditions:
Ellis-van Creveld syndrome (EVC). Also called: EVC-Related Ellis-van Creveld Syndrome; EVC2-Related Ellis-van Creveld Syndrome; MESOECTODERMAL DYSPLASIA; Chondroectodermal dysplasia. Identifiers: Orphanet 289, MedGen C0013903, MONDO:0009162, OMIM 225500.
Curry-Hall syndrome (WAD). Also called: WEYERS ACRODENTAL DYSOSTOSIS. Identifiers: Orphanet 952, MedGen C0457013, MONDO:0008673, OMIM 193530.

Allele frequency attached by ClinVar (database versions not stated): gnomAD exomes 0.00001.

Submission:

Labcorp Genetics (formerly Invitae), Labcorp
Classification: Pathogenic for Curry-Hall syndrome; Ellis-van Creveld syndrome. Last evaluated: 2022-08-21. Review status: criteria provided, single submitter. Criteria: Invitae Variant Classification Sherloc (09022015). Collection method: clinical testing. Allele origin: germline.
Comment: This sequence change creates a premature translational stop signal (p.Val634Serfs*26) in the EVC gene. It is expected to result in an absent or disrupted protein product. Loss-of-function variants in EVC are known to be pathogenic (PMID: 23220543). This variant is not present in population databases (gnomAD no frequency). This variant has not been reported in the literature in individuals affected with EVC-related conditions. For these reasons, this variant has been classified as Pathogenic.

Literature cited by the submitters: PubMed 23220543.